The following is an entry in ClinVar:

NM_001367561.1(DOCK7):c.2885T>A (p.Met962Lys)

Gene: DOCK7 (dedicator of cytokinesis 7; minus strand). Cytogenetic location: 1p31.3.
Variant type: single nucleotide variant.
Coding change: c.2885T>A on transcript NM_001367561.1 (MANE Select); coding-DNA position 2885, T replaced by A.
Protein change: p.Met962Lys; replaces methionine 962 with lysine.
Molecular consequence: missense variant.
Genome position (GRCh38, 1-based): chr1:62,543,720, A>T on the plus strand (T>A on the coding strand, the complement: DOCK7 is on the minus strand). VCF-style: chr1-62543720-A-T. GRCh37 (hg19) VCF-style: chr1-63009391-A-T.
Other names: c.2885T>A, p.Met962Lys (NM_001271999.2, NM_001330614.2); c.2792T>A, p.Met931Lys (NM_001272000.2, NM_001272001.2, NM_033407.4); short protein forms M931K, M962K.
Identifiers: ClinVar variation 1382259 (VCV001382259.6), dbSNP rs1645609965, ClinGen allele CA340614929.
Genomic context (GRCh38, chr1:62,543,720, plus strand): 5'-TTAGTTGGTAAGCGTCCCGTTAATGTTTGTAAGAAACTTGACGTCTCTGTGTGCGAAGAC[A>T]TACGATTACAACTTCGATCCATAGCCTATGGAGTGAAGATGAATGAATGACGAGATAACA-3'
Protein context (NP_001354490.1, residues 952-972): TQAMDRSCNR[Met962Lys]SSHTETSSFL

ClinVar aggregate classification (germline): Uncertain significance (1 of 4 stars; one submission).

Conditions:
Developmental and epileptic encephalopathy, 23 (DEE23). Also called: Epileptic encephalopathy, early infantile, 23. Identifiers: Orphanet 411986, MedGen C4014492, MONDO:0014371, OMIM 615859.

Allele frequency attached by ClinVar (database versions not stated): gnomAD 0.00001; TOPMed below 0.00001.
gnomAD v4.1: 1 of 1,598,324 alleles (0.000063%); highest among the groups gnomAD compares: African/African-American, 0.0013%; no homozygotes.

Submission:

Labcorp Genetics (formerly Invitae), Labcorp
Classification: Uncertain significance for Developmental and epileptic encephalopathy, 23. Last evaluated: 2023-11-12. Review status: criteria provided, single submitter. Criteria: Invitae Variant Classification Sherloc (09022015). Collection method: clinical testing. Allele origin: germline.
Comment: This sequence change replaces methionine, which is neutral and non-polar, with lysine, which is basic and polar, at codon 962 of the DOCK7 protein (p.Met962Lys). This variant is not present in population databases (gnomAD no frequency). This variant has not been reported in the literature in individuals affected with DOCK7-related conditions. ClinVar contains an entry for this variant (Variation ID: 1382259). Advanced modeling of protein sequence and biophysical properties (such as structural, functional, and spatial information, amino acid conservation, physicochemical variation, residue mobility, and thermodynamic stability) performed at Invitae indicates that this missense variant is not expected to disrupt DOCK7 protein function with a negative predictive value of 80%. In summary, the available evidence is currently insufficient to determine the role of this variant in disease. Therefore, it has been classified as a Variant of Uncertain Significance.